The following is an entry in ClinVar:

ClinVar aggregate classification (germline): Pathogenic (1 of 4 stars; one submission).

Conditions:
Neurofibromatosis, type 1 (NF1). Also called: VON RECKLINGHAUSEN DISEASE; Peripheral type neurofibromatosis; Neurofibromatosis, type I; NEUROFIBROMATOSIS, TYPE I, SOMATIC. Identifiers: Orphanet 636, MedGen C0027831, MONDO:0018975, OMIM 162200. Disease mechanism: loss of function.

Submission:

Department of Medical Genetics, International Peace Maternity and Child Health Hospital, Shanghai Jiao Tong University School of Medicine
Classification: Pathogenic for Neurofibromatosis, type 1. Last evaluated: 2025-03-22. Review status: criteria provided, single submitter. Criteria: ACMG Guidelines, 2015. Collection method: clinical testing. Allele origin: de novo. Affected: yes.
Comment: Loss-of-function variants in NF1 are known to be pathogenic (PMID: 10712197, 23913538), so this variant has been classified as Pathogenic.

Literature cited by the submitters: PubMed 10712197; PubMed 23913538.

NM_001042492.3(NF1):c.1842_1845del (p.Lys615fs)

Gene: NF1 (neurofibromin 1; plus strand). Cytogenetic location: 17q11.2.
Variant type: Deletion.
Coding change: c.1842_1845del on transcript NM_001042492.3 (MANE Select); coding-DNA positions 1842 to 1845, 4 bases deleted (TAAG; older notation c.1842_1845delTAAG).
Protein change: p.Lys615fs; shifts the reading frame from lysine 615.
Molecular consequence: frameshift variant.
Genome position (GRCh38, 1-based): chr17:31,223,564-31,223,567, TAAG deleted. VCF-style (leftmost placement, unchanged base first): chr17-31223563-ATAAG-A. GRCh37 (hg19) VCF-style: chr17-29550581-ATAAG-A.
Other names: c.1842_1845delTAAG, p.Lys615Argfs (NM_000267.4); short protein forms K615fs.
Identifiers: ClinVar variation 3891313 (VCV003891313.1).